The following is an entry in ClinVar:

ClinVar aggregate classification (germline): Benign. Review status: criteria provided, multiple submitters, no conflicts (2 of 4 stars). 3 submissions from 3 submitters: Benign (3). Last evaluated 2025-02-16.

Conditions:
Leigh syndrome (NULS). Also called: Leigh's necrotizing encephalopathy; Leigh's disease; Leigh Syndrome (mtDNA deletion); Leigh Disease; Subacute necrotizing encephalopathy; Necrotizing encephalopathy infantile subacute of Leigh. Identifiers: Orphanet 506, MedGen C2931891, MONDO:0009723, OMIM 256000.

Submissions (3):

Laboratory of Genetics, Children's Clinical University Hospital Latvia
Classification: Benign. Last evaluated: 2025-02-16. Review status: criteria provided, single submitter. Criteria: ACMG Guidelines, 2015. Collection method: clinical testing. Allele origin: germline. Affected: yes.

Wong Mito Lab, Molecular and Human Genetics, Baylor College of Medicine
Classification: Benign for Leigh syndrome. Last evaluated: 2019-10-17. Review status: criteria provided, single submitter. Criteria: Modified ACMG Guidelines (Unpublished). Collection method: clinical testing. Allele origin: germline.
Comment: The NC_012920.1:m.3316G>A (YP_003024026.1:p.Ala4Thr) variant in MTND1 gene is interpretated to be a Benign variant based on the modified ACMG guidelines (unpublished). This variant meets the following evidence codes: BS1, BS2

Breakthrough Genomics
Classification: Benign. Review status: criteria provided, single submitter. Criteria: ACMG Guidelines, 2015. Collection method: not provided. Allele origin: germline. Inheritance: Unknown mechanism. Affected: yes.

Literature cited by the submitters: PubMed 11238687 (cited by Wong Mito Lab, Molecular and Human Genetics, Baylor College of Medicine).

NC_012920.1(MT-ND1):m.3316G>A

Gene: MT-ND1 (mitochondrially encoded NADH dehydrogenase 1; plus strand).
Variant type: single nucleotide variant.
Genome position: chrM-3316-G-A.
Identifiers: ClinVar variation 692333 (VCV000692333.3), dbSNP rs2853516, ClinGen allele CA337096493.